The following is an entry in ClinVar:

ClinVar aggregate classification (germline): Uncertain significance. Review status: criteria provided, multiple submitters, no conflicts (2 of 4 stars). 3 submissions from 3 submitters: Uncertain significance (3). Last evaluated 2024-02-23.

Conditions:
Autosomal recessive limb-girdle muscular dystrophy type 2J (LGMDR10). Also called: Limb-girdle muscular dystrophy, type 2J; MUSCULAR DYSTROPHY, LIMB-GIRDLE, AUTOSOMAL RECESSIVE 10. Identifiers: Orphanet 140922, MedGen C1837342, MONDO:0012127, OMIM 608807.
Dilated cardiomyopathy 1G (CMD1G). Identifiers: Orphanet 154, MedGen C1858763, MONDO:0011400, OMIM 604145.

Allele frequency attached by ClinVar (database versions not stated): gnomAD exomes below 0.00001 and 0.00001; ExAC 0.00001; gnomAD 0.00003 and 0.00004; TOPMed 0.00003.
gnomAD v4.1: 6 of 1,612,254 alleles (0.00037%); highest among the groups gnomAD compares: African/African-American, 0.008%; no homozygotes.

Submissions (3):

Labcorp Genetics (formerly Invitae), Labcorp
Classification: Uncertain significance for Dilated cardiomyopathy 1G; Autosomal recessive limb-girdle muscular dystrophy type 2J. Last evaluated: 2024-02-23. Review status: criteria provided, single submitter. Criteria: Invitae Variant Classification Sherloc (09022015). Collection method: clinical testing. Allele origin: germline.
Comment: This sequence change replaces arginine, which is basic and polar, with threonine, which is neutral and polar, at codon 33941 of the TTN protein (p.Arg33941Thr). This variant is present in population databases (rs762498249, gnomAD 0.01%). This variant has not been reported in the literature in individuals affected with TTN-related conditions. ClinVar contains an entry for this variant (Variation ID: 229562). Experimental studies and prediction algorithms are not available or were not evaluated, and the functional significance of this variant is currently unknown. This variant is located in the M band of TTN (PMID: 25589632). Non-truncating variants in this region may be relevant for neuromuscular disorders, but have not been definitively shown to cause cardiomyopathy (PMID: 23975875). In summary, the available evidence is currently insufficient to determine the role of this variant in disease. Therefore, it has been classified as a Variant of Uncertain Significance.

Mayo Clinic Laboratories, Mayo Clinic
Classification: Uncertain significance. Last evaluated: 2021-10-14. Review status: criteria provided, single submitter. Criteria: ACMG Guidelines, 2015. Collection method: clinical testing. Allele origin: germline.

Laboratory for Molecular Medicine, Mass General Brigham Personalized Medicine
Classification: Uncertain significance. Last evaluated: 2015-12-23. Review status: criteria provided, single submitter. Criteria: LMM Criteria. Collection method: clinical testing. Allele origin: germline. Observed: 1 variant allele.
Comment: The p.Arg31373Thr variant in TTN has not been previously reported in individuals with cardiomyopathy, but has been identified in 1/9598 African chromosomes by t he Exome Aggregation Consortium (ExAC). Computat ional prediction tools and conservation analysis suggest that this variant may i mpact the protein, though this information is not predictive enough to determine pathogenicity. In summary, the clinical significance of the p.Arg31373Thr varia nt is uncertain.

Literature cited by the submitters: PubMed 25589632 (cited by Labcorp Genetics (formerly Invitae), Labcorp); PubMed 23975875 (cited by Labcorp Genetics (formerly Invitae), Labcorp).

NM_001267550.2(TTN):c.101822G>C (p.Arg33941Thr)

Genes: TTN-AS1 (TTN antisense RNA 1; plus strand), TTN (titin; minus strand). Cytogenetic location: 2q31.2.
Variant type: single nucleotide variant.
Coding change: c.101822G>C on transcript NM_001267550.2 (MANE Select); coding-DNA position 101822, G replaced by C.
Protein change: p.Arg33941Thr; replaces arginine 33941 with threonine.
Molecular consequence: missense variant.
Genome position (GRCh38, 1-based): chr2:178,534,793, C>G on the plus strand (G>C on the coding strand, the complement: TTN is on the minus strand). VCF-style: chr2-178534793-C-G. GRCh37 (hg19) VCF-style: chr2-179399520-C-G.
Other names: p.Arg32300Thr; c.94118G>C, p.Arg31373Thr (NM_133378.4); c.96899G>C, p.Arg32300Thr (NM_001256850.1); c.74627G>C, p.Arg24876Thr (NM_003319.4); c.75002G>C, p.Arg25001Thr (NM_133432.3); c.75203G>C, p.Arg25068Thr (NM_133437.4); short protein forms R31373T, R33941T, R25001T, R32300T, R24876T, R25068T.
Identifiers: ClinVar variation 229562 (VCV000229562.16), dbSNP rs762498249, ClinGen allele CA1985835.